The following is an entry in ClinVar:

ClinVar aggregate classification (germline): Pathogenic. Review status: criteria provided, multiple submitters, no conflicts (2 of 4 stars). 12 submissions from 12 submitters: Pathogenic (8). 4 of the submissions do not count toward it. Last evaluated 2026-06-13.

Conditions:
NPHP3-related disorder. Also called: NPHP3-related condition; NPHP3-related disorders. Identifiers: MedGen CN379163.
Joubert syndrome and related disorders. Identifiers: Orphanet 140874, MedGen C5679612, MONDO:0015369.
Nephronophthisis. Also called: Juvenile Nephronophthisis. Identifiers: Orphanet 655, MedGen C0687120, MONDO:0019005, HP:0000090.
NPHP3-related Meckel-like syndrome. Also called: Meckel syndrome type 7; GOLDSTON SYNDROME. Identifiers: Orphanet 3032, MedGen C2673885, MONDO:0009966, OMIM 267010.
Nephronophthisis 3 (NPHP3). Also called: Adolescent nephronophthisis. Identifiers: Orphanet 655, MedGen C1858392, MONDO:0011456, OMIM 604387.
Renal-hepatic-pancreatic dysplasia 1 (RHPD1). Identifiers: MedGen C3715199, MONDO:0008833, OMIM 208540.

Allele frequency attached by ClinVar (database versions not stated): gnomAD exomes 0.00005 and 0.00010; ExAC 0.00001; TOPMed 0.00003; gnomAD 0.00010.
gnomAD v4.1: 155 of 1,613,716 alleles (0.0096%); highest among the groups gnomAD compares: Non-Finnish European, 0.012%; no homozygotes.

Submissions (12):

PreventionGenetics, part of Exact Sciences
Classification: Pathogenic for NPHP3-related condition. Last evaluated: 2026-06-13. Review status: criteria provided, single submitter. Criteria: ACMG Guidelines, 2015. Collection method: clinical testing. Allele origin: germline.
Comment: The NPHP3 c.2104C>T variant is predicted to result in premature protein termination (p.Arg702*). This variant has been reported in the homozygous state in multiple affected family members from a large multi-generational Amish family with neonatal lethal nephronophthisis (Simpson et al. 2009. PubMed ID: 19303681). This variant was also reported in the compound heterozygous and heterozygous states in two additional patients with nephronophthisis-related ciliopathy (Patients F300-21 and F1135-21, Halbritter et al. 2013. PubMed ID: 23559409). This variant is reported in 0.0080% of alleles in individuals of European (Finnish) descent in gnomAD. Nonsense variants in NPHP3 are expected to be pathogenic. This variant is interpreted as pathogenic.

Labcorp Genetics (formerly Invitae), Labcorp
Classification: Pathogenic for Nephronophthisis. Last evaluated: 2026-02-02. Review status: criteria provided, single submitter. Criteria: Invitae Variant Classification Sherloc (09022015). Collection method: clinical testing. Allele origin: germline.
Comment: This sequence change creates a premature translational stop signal (p.Arg702*) in the NPHP3 gene. It is expected to result in an absent or disrupted protein product. Loss-of-function variants in NPHP3 are known to be pathogenic (PMID: 18371931, 23559409). This variant is present in population databases (rs267606916, gnomAD 0.008%). This premature translational stop signal has been observed in individual(s) with nephronophthisis (PMID: 19303681). It has also been observed to segregate with disease in related individuals. ClinVar contains an entry for this variant (Variation ID: 2640). For these reasons, this variant has been classified as Pathogenic.

Blueprint Genetics
Classification: Pathogenic for NPHP3-related disorders. Last evaluated: 2024-07-09. Review status: criteria provided, single submitter. Criteria: ACMG Guidelines, 2015. Collection method: clinical testing. Allele origin: germline. Affected: yes. Observed: 5 variant alleles.

Fulgent Genetics
Classification: Pathogenic for Renal-hepatic-pancreatic dysplasia 1; NPHP3-related Meckel-like syndrome; Nephronophthisis 3. Last evaluated: 2024-02-28. Review status: criteria provided, single submitter. Criteria: ACMG Guidelines, 2015. Collection method: clinical testing. Allele origin: germline.

Daryl Scott Lab, Baylor College of Medicine
Classification: Pathogenic for NPHP3-related disorder. Last evaluated: 2024-01-01. Review status: criteria provided, single submitter. Criteria: ACMG Guidelines, 2015. Collection method: clinical testing. Allele origin: biparental. Affected: yes. Observed: 1 homozygote.
Comment: PVS1, PM2, PP1

GeneDx
Classification: Pathogenic. Last evaluated: 2022-10-11. Review status: criteria provided, single submitter. Criteria: GeneDx Variant Classification Process June 2021. Collection method: clinical testing. Allele origin: germline. Affected: yes.
Comment: Observed with a pathogenic variant in a patient with a nephronophthisis-related ciliopathy in published literature, but it is not known whether the variants occurred on the same (in cis) or on different (in trans) chromosomes (Halbritter et al., 2013); Nonsense variant predicted to result in protein truncation or nonsense mediated decay in a gene for which loss of function is a known mechanism of disease; Not observed at significant frequency in large population cohorts (gnomAD); This variant is associated with the following publications: (PMID: 25525159, 19303681, 32040628, 23559409)

Women's Health and Genetics/Laboratory Corporation of America, LabCorp
Classification: Pathogenic for Joubert syndrome and related disorders. Last evaluated: 2022-08-04. Review status: criteria provided, single submitter. Criteria: LabCorp Variant Classification Summary - May 2015. Collection method: clinical testing. Allele origin: germline.
Comment: Variant summary: NPHP3 c.2104C>T (p.Arg702X) results in a premature termination codon, predicted to cause a truncation of the encoded protein or absence of the protein due to nonsense mediated decay, which are commonly known mechanisms for disease. Truncations downstream of this position are associated with Nephronophthisis in HGMD. The variant allele was found at a frequency of 4.8e-05 in 251404 control chromosomes (gnomAD). This frequency is not higher than expected for a pathogenic variant in NPHP3 causing Joubert Syndrome And Related Disorders (4.8e-05 vs 0.0004). c.2104C>T has been reported in the literature in individuals affected with Nephronophthisis and at-least one heterozygous individual with a diagnosis of Joubert Syndrome And Related Disorders (examples: Simpson_2009, Halbritter_2013, Iorio_2020). Three clinical diagnostic laboratories have submitted clinical-significance assessments for this variant to ClinVar after 2014 and all classified the variant as pathogenic. Based on the evidence outlined above, the variant was classified as pathogenic.

Baylor Genetics
Classification: Pathogenic for NPHP3-related Meckel-like syndrome. Last evaluated: 2019-12-24. Review status: criteria provided, single submitter. Criteria: ACMG Guidelines, 2015. Collection method: clinical testing. Allele origin: unknown. Affected: yes.
Comment: This variant was determined to be pathogenic according to ACMG Guidelines, 2015 [PMID:25741868].

OMIM
Classification: Pathogenic for NEPHRONOPHTHISIS 3. Last evaluated: 2009-05-01. Review status: no assertion criteria provided. Collection method: literature only. Allele origin: germline. Not counted in ClinVar's aggregate classification.

Clinical Genetics DNA and cytogenetics Diagnostics Lab, Erasmus MC, Erasmus Medical Center
Classification: Pathogenic. Review status: no assertion criteria provided. Collection method: clinical testing. Allele origin: germline. Affected: yes. Study: VKGL Data-share Consensus. Not counted in ClinVar's aggregate classification.

Diagnostic Laboratory, Department of Genetics, University Medical Center Groningen
Classification: Pathogenic. Review status: no assertion criteria provided. Collection method: clinical testing. Allele origin: germline. Affected: yes. Study: VKGL Data-share Consensus. Not counted in ClinVar's aggregate classification.

GeneReviews
No classification provided. Condition: Nephronophthisis. Review status: no classification provided. Collection method: literature only. Allele origin: germline. Affected: yes. Not counted in ClinVar's aggregate classification.

Literature cited by the submitters: PubMed 18371931 (cited by Labcorp Genetics (formerly Invitae), Labcorp); PubMed 23559409 (cited by Labcorp Genetics (formerly Invitae), Labcorp and Women's Health and Genetics/Laboratory Corporation of America, LabCorp); PubMed 19303681 (cited by 4 submitters); PubMed 32040628 (cited by Women's Health and Genetics/Laboratory Corporation of America, LabCorp); NCBI Bookshelf NBK368475 (cited by GeneReviews).

NM_153240.5(NPHP3):c.2104C>T (p.Arg702Ter)

Genes: NPHP3 (nephrocystin 3; minus strand), NPHP3-ACAD11 (NPHP3-ACAD11 readthrough (NMD candidate); minus strand). Cytogenetic location: 3q22.1.
Variant type: single nucleotide variant.
Coding change: c.2104C>T on transcript NM_153240.5 (MANE Select); coding-DNA position 2104, C replaced by T.
Protein change: p.Arg702Ter; replaces arginine 702 with a stop codon.
Molecular consequence: nonsense. On other transcripts: non-coding transcript variant (1).
Genome position (GRCh38, 1-based): chr3:132,696,798, G>A on the plus strand (C>T on the coding strand, the complement: NPHP3 is on the minus strand). VCF-style: chr3-132696798-G-A. GRCh37 (hg19) VCF-style: chr3-132415642-G-A.
Other names: short protein forms R702*.
Identifiers: ClinVar variation 2640 (VCV000002640.25), dbSNP rs267606916, ClinGen allele CA115660.
Genomic context (GRCh38, chr3:132,696,798, plus strand): 5'-TCATTTTGCCGAAAAGGGTGACATAAAGGGCATTGCAGGTTGTAGCAGAACGACAGTGTC[G>A]TTCTAGCTTCTTCTCCTGCACCAGTTTACCAAGAAAAACAAAACAGAAATACAAAAACCA-3'